The following is an entry in ClinVar:

ClinVar aggregate classification (germline): Benign. Review status: criteria provided, multiple submitters, no conflicts (2 of 4 stars). 2 submissions from 2 submitters: Benign (2). Last evaluated 2018-06-14.

Allele frequency attached by ClinVar (database versions not stated): TOPMed 0.25873; gnomAD 0.25891 and 0.25900; 1000 Genomes Project 0.28894; 1000 Genomes Project 30x 0.29544.
gnomAD v4.1: 39,273 of 151,956 alleles (26%); highest among the groups gnomAD compares: African/African-American, 42%; 5,871 homozygotes.

Submissions (2):

GeneDx
Classification: Benign. Last evaluated: 2018-06-14. Review status: criteria provided, single submitter. Criteria: GeneDx Variant Classification (06012015). Collection method: clinical testing. Allele origin: germline. Affected: yes.
Comment: This variant is considered likely benign or benign based on one or more of the following criteria: it is a conservative change, it occurs at a poorly conserved position in the protein, it is predicted to be benign by multiple in silico algorithms, and/or has population frequency not consistent with disease.

Breakthrough Genomics
Classification: Benign. Review status: criteria provided, single submitter. Criteria: ACMG Guidelines, 2015. Collection method: not provided. Allele origin: germline. Inheritance: Autosomal recessive inheritance. Affected: yes.

NM_021100.5(NFS1):c.324+164G>A

Gene: NFS1 (NFS1 cysteine desulfurase; minus strand). Cytogenetic location: 20q11.22.
Variant type: single nucleotide variant.
Coding change: c.324+164G>A on transcript NM_021100.5 (MANE Select); 164 bases into the intron after coding-DNA position 324, G replaced by A.
Molecular consequence: intron variant.
Genome position (GRCh38, 1-based): chr20:35,697,520, C>T on the plus strand (G>A on the coding strand, the complement: NFS1 is on the minus strand). VCF-style: chr20-35697520-C-T. GRCh37 (hg19) VCF-style: chr20-34285442-C-T.
Other names: c.324+164G>A (NM_001198989.2).
Identifiers: ClinVar variation 671453 (VCV000671453.2), dbSNP rs6060565, ClinGen allele CA15969540.